The following is an entry in ClinVar:

ClinVar aggregate classification (germline): Uncertain significance. Review status: criteria provided, multiple submitters, no conflicts (2 of 4 stars). 2 submissions from 2 submitters: Uncertain significance (2). Last evaluated 2026-04-15.

Conditions:
IFT74-related disorder. Also called: IFT74-related condition; IFT74-Related Disorders.

Allele frequency attached by ClinVar (database versions not stated): TOPMed 0.00005; ExAC 0.00001; gnomAD 0.00005.
gnomAD v4.1: 20 of 1,612,312 alleles (0.0012%); highest among the groups gnomAD compares: African/African-American, 0.025%; no homozygotes.

Submissions (2):

PreventionGenetics, part of Exact Sciences
Classification: Uncertain significance for IFT74-related condition. Last evaluated: 2026-04-15. Review status: criteria provided, single submitter. Criteria: ACMG Guidelines, 2015. Collection method: clinical testing. Allele origin: germline.
Comment: The IFT74 c.437T>G variant is predicted to result in the amino acid substitution p.Leu146Arg. To our knowledge, this variant has not been reported in the literature. This variant is reported in 0.021% of alleles in individuals of African descent in gnomAD. At this time, the clinical significance of this variant is uncertain due to the absence of conclusive functional and genetic evidence.

Labcorp Genetics (formerly Invitae), Labcorp
Classification: Uncertain significance. Last evaluated: 2025-10-13. Review status: criteria provided, single submitter. Criteria: Invitae Variant Classification Sherloc (09022015). Collection method: clinical testing. Allele origin: germline.
Comment: This sequence change replaces leucine, which is neutral and non-polar, with arginine, which is basic and polar, at codon 146 of the IFT74 protein (p.Leu146Arg). This variant is present in population databases (rs773521669, gnomAD 0.02%). This variant has not been reported in the literature in individuals affected with IFT74-related conditions. ClinVar contains an entry for this variant (Variation ID: 1961963). An algorithm developed to predict the effect of missense changes on protein structure and function (PolyPhen-2) suggests that this variant is likely to be disruptive. In summary, the available evidence is currently insufficient to determine the role of this variant in disease. Therefore, it has been classified as a Variant of Uncertain Significance.

NM_025103.4(IFT74):c.437T>G (p.Leu146Arg)

Gene: IFT74 (intraflagellar transport 74; plus strand). Cytogenetic location: 9p21.2.
Variant type: single nucleotide variant.
Coding change: c.437T>G on transcript NM_025103.4 (MANE Select); coding-DNA position 437, T replaced by G.
Protein change: p.Leu146Arg; replaces leucine 146 with arginine.
Molecular consequence: missense variant.
Genome position (GRCh38, 1-based): chr9:26,984,531, T>G. VCF-style: chr9-26984531-T-G. GRCh37 (hg19) VCF-style: chr9-26984529-T-G.
Other names: c.437T>G (NM_025103.2); c.437T>G, p.Leu146Arg (NM_001099222.3, NM_001099223.3, NM_001099224.3 and 1 more transcripts); short protein forms L146R.
Identifiers: ClinVar variation 1961963 (VCV001961963.6), dbSNP rs773521669, ClinGen allele CA5014955.